The following is an entry in ClinVar:

NM_000350.3(ABCA4):c.5055C>A (p.Cys1685Ter)

Gene: ABCA4 (ATP binding cassette subfamily A member 4; minus strand). Cytogenetic location: 1p22.1.
Variant type: single nucleotide variant.
Coding change: c.5055C>A on transcript NM_000350.3 (MANE Select); coding-DNA position 5055, C replaced by A.
Protein change: p.Cys1685Ter; replaces cysteine 1685 with a stop codon.
Molecular consequence: nonsense.
Genome position (GRCh38, 1-based): chr1:94,019,723, G>T on the plus strand (C>A on the coding strand, the complement: ABCA4 is on the minus strand). VCF-style: chr1-94019723-G-T. GRCh37 (hg19) VCF-style: chr1-94485279-G-T.
Other names: c.4833C>A, p.Cys1611Ter (NM_001425324.1); short protein forms C1685*, C1611*.
Identifiers: ClinVar variation 1076954 (VCV001076954.7), dbSNP rs749943475, ClinGen allele CA341282807.

ClinVar aggregate classification (germline): Pathogenic (1 of 4 stars; one submission).

Submission:

Labcorp Genetics (formerly Invitae), Labcorp
Classification: Pathogenic. Last evaluated: 2022-03-10. Review status: criteria provided, single submitter. Criteria: Invitae Variant Classification Sherloc (09022015). Collection method: clinical testing. Allele origin: germline.
Comment: This sequence change creates a premature translational stop signal (p.Cys1685*) in the ABCA4 gene. It is expected to result in an absent or disrupted protein product. Loss-of-function variants in ABCA4 are known to be pathogenic (PMID: 10958761, 24938718, 25312043, 26780318). For these reasons, this variant has been classified as Pathogenic. ClinVar contains an entry for this variant (Variation ID: 1076954). This variant has not been reported in the literature in individuals affected with ABCA4-related conditions. This variant is not present in population databases (gnomAD no frequency).

Literature cited by the submitters: PubMed 10958761; PubMed 24938718; PubMed 25312043; PubMed 26780318.